The following is an entry in ClinVar:

ClinVar aggregate classification (germline): Uncertain significance. Review status: criteria provided, single submitter (1 of 4 stars). 2 submissions from 2 submitters: Uncertain significance (1). 1 of the submissions does not count toward it. Last evaluated 2025-08-19.

Conditions:
ST8SIA2-related disorder. Also called: ST8SIA2-related condition.

Allele frequency attached by ClinVar (database versions not stated): ExAC 0.00029; ESP Exome Variant Server 0.00062; gnomAD 0.00089; TOPMed 0.00092; 1000 Genomes Project 30x 0.00156; 1000 Genomes Project 0.00160.
gnomAD v4.1: 260 of 1,613,874 alleles (0.016%); highest among the groups gnomAD compares: African/African-American, 0.31%; no homozygotes.

Submissions (2):

Ambry Genetics
Classification: Uncertain significance. Last evaluated: 2025-08-19. Review status: criteria provided, single submitter. Criteria: Ambry Variant Classification Scheme 2023. Collection method: clinical testing. Allele origin: germline.

PreventionGenetics, part of Exact Sciences
Classification: Likely benign for ST8SIA2-related condition. Last evaluated: 2022-12-27. Review status: no assertion criteria provided. Collection method: clinical testing. Allele origin: germline. Not counted in ClinVar's aggregate classification.
Comment: This variant is classified as likely benign based on ACMG/AMP sequence variant interpretation guidelines (Richards et al. 2015 PMID: 25741868, with internal and published modifications).

NM_006011.4(ST8SIA2):c.1110G>T (p.Gln370His)

Gene: ST8SIA2 (ST8 alpha-N-acetyl-neuraminide alpha-2,8-sialyltransferase 2; plus strand). Cytogenetic location: 15q26.1.
Variant type: single nucleotide variant.
Coding change: c.1110G>T on transcript NM_006011.4 (MANE Select); coding-DNA position 1110, G replaced by T.
Protein change: p.Gln370His; replaces glutamine 370 with histidine.
Molecular consequence: missense variant.
Genome position (GRCh38, 1-based): chr15:92,464,367, G>T. VCF-style: chr15-92464367-G-T. GRCh37 (hg19) VCF-style: chr15-93007597-G-T.
Other names: c.1047G>T, p.Gln349His (NM_001330416.2); short protein forms Q349H, Q370H.
Identifiers: ClinVar variation 3038637 (VCV003038637.3), dbSNP rs141226307, ClinGen allele CA7746802.
Genomic context (GRCh38, chr15:92,464,367, plus strand): 5'-GGAGTTTAAGGCCCTCAAGAGCCTACATGAGCAGGGGGCTTTGAAACTGACTGTCGGCCA[G>T]TGCGATGGGGCCACGTAGGGTGGGCACCCCATGGGACTCAGTGGCTCACATTTCCTGCCA-3'
Protein context (NP_006002.1, residues 360-375): EQGALKLTVG[Gln370His]CDGAT